The following is an entry in ClinVar:

ClinVar aggregate classification (germline): Likely pathogenic (1 of 4 stars; one submission).

Submission:

Mayo Clinic Laboratories, Mayo Clinic
Classification: Likely pathogenic. Last evaluated: 2025-07-24. Review status: criteria provided, single submitter. Criteria: ACMG Guidelines, 2015. Collection method: clinical testing. Allele origin: germline. Observed: 2 variant alleles.
Comment: PM2_supporting, PVS1

NM_016363.5(GP6):c.48del (p.Arg17fs)

Gene: GP6 (glycoprotein VI platelet; minus strand). Cytogenetic location: 19q13.42.
Variant type: Deletion.
Coding change: c.48del on transcript NM_016363.5 (MANE Select); coding-DNA position 48, one base deleted (G; older notation c.48delG).
Protein change: p.Arg17fs; shifts the reading frame from arginine 17.
Molecular consequence: frameshift variant.
Genome position (GRCh38, 1-based): chr19:55,032,525, C deleted on the plus strand (G on the coding strand, the reverse complement: GP6 is on the minus strand); the first of 4 consecutive C bases (chr19:55,032,525-55,032,528); deleting any one gives the same sequence. VCF-style (leftmost placement, unchanged base first): chr19-55032524-GC-G. GRCh37 (hg19) VCF-style: chr19-55543892-GC-G.
Other names: p.Arg17Valfs*28; c.48del, p.Arg17fs (NM_001083899.2, NM_001256017.2); short protein forms R17fs.
Identifiers: ClinVar variation 4542367 (VCV004542367.1).
Genomic context (GRCh38, chr19:55,032,524, plus strand): 5'-GGCGGATCCCGCAGGAGGGAAGGGGTCTGGGGAAGGACTCACCACTCTGCGCTGGCACAC[GC>G]CCCAGACACAGCCCTGAGGAAAGAAGAAAGGGACCAGATGCCAGGACTCGCTTTTATGGA-3'